The following is an entry in ClinVar:

NM_003673.4(TCAP):c.376C>T (p.Gln126Ter)

Gene: TCAP (titin-cap; plus strand). Cytogenetic location: 17q12.
Variant type: single nucleotide variant.
Coding change: c.376C>T on transcript NM_003673.4 (MANE Select); coding-DNA position 376, C replaced by T.
Protein change: p.Gln126Ter; replaces glutamine 126 with a stop codon.
Molecular consequence: nonsense.
Genome position (GRCh38, 1-based): chr17:39,665,981, C>T. VCF-style: chr17-39665981-C-T. GRCh37 (hg19) VCF-style: chr17-37822234-C-T.
Other names: short protein forms Q126*.
Identifiers: ClinVar variation 3752479 (VCV003752479.2).

ClinVar aggregate classification (germline): Uncertain significance (1 of 4 stars; one submission).

Conditions:
Hypertrophic cardiomyopathy 25 (CMH25). Also called: CARDIOMYOPATHY, FAMILIAL HYPERTROPHIC, 25. Identifiers: MedGen C4225408, MONDO:0011843, OMIM 607487.
Primary familial hypertrophic cardiomyopathy (HCM). Identifiers: Orphanet 99739, MedGen C0949658, MeSH D024741, MONDO:0024573. Inheritance: Various modes of inheritance.

Submission:

Labcorp Genetics (formerly Invitae), Labcorp
Classification: Uncertain significance for Hypertrophic cardiomyopathy 25; Primary familial hypertrophic cardiomyopathy. Last evaluated: 2024-09-01. Review status: criteria provided, single submitter. Criteria: Invitae Variant Classification Sherloc (09022015). Collection method: clinical testing. Allele origin: germline.
Comment: This sequence change creates a premature translational stop signal (p.Gln126*) in the TCAP gene. While this is not anticipated to result in nonsense mediated decay, it is expected to disrupt the last 42 amino acid(s) of the TCAP protein. This variant is not present in population databases (gnomAD no frequency). This variant has not been reported in the literature in individuals affected with TCAP-related conditions. Experimental studies and prediction algorithms are not available or were not evaluated, and the functional significance of this variant is currently unknown. In summary, the available evidence is currently insufficient to determine the role of this variant in disease. Therefore, it has been classified as a Variant of Uncertain Significance.